The following is an entry in ClinVar:

ClinVar aggregate classification (germline): Uncertain significance (1 of 4 stars; one submission).

Submission:

Ambry Genetics
Classification: Uncertain significance. Last evaluated: 2024-11-12. Review status: criteria provided, single submitter. Criteria: Ambry Variant Classification Scheme 2023. Collection method: clinical testing. Allele origin: germline.
Comment: The p.D36N variant (also known as c.106G>A), located in coding exon 1 of the BUB3 gene, results from a G to A substitution at nucleotide position 106. The aspartic acid at codon 36 is replaced by asparagine, an amino acid with highly similar properties. This amino acid position is conserved. In addition, the in silico prediction for this alteration is inconclusive. Based on the available evidence, the clinical significance of this variant remains unclear.

NM_004725.4(BUB3):c.106G>A (p.Asp36Asn)

Genes: BUB3 (BUB3 mitotic checkpoint protein; plus strand), LOC130004885 (ATAC-STARR-seq lymphoblastoid active region 4151; plus strand). Cytogenetic location: 10q26.13.
Variant type: single nucleotide variant.
Coding change: c.106G>A on transcript NM_004725.4 (MANE Select); coding-DNA position 106, G replaced by A.
Protein change: p.Asp36Asn; replaces aspartic acid 36 with asparagine.
Molecular consequence: missense variant.
Genome position (GRCh38, 1-based): chr10:123,155,023, G>A. VCF-style: chr10-123155023-G-A. GRCh37 (hg19) VCF-style: chr10-124914539-G-A.
Other names: c.106G>A, p.Asp36Asn (NM_001007793.3); short protein forms D36N.
Identifiers: ClinVar variation 3483299 (VCV003483299.1).